The following is an entry in ClinVar:

NM_001130144.3(LTBP3):c.1569del (p.Val524fs)

Gene: LTBP3 (latent transforming growth factor beta binding protein 3; minus strand). Cytogenetic location: 11q13.1.
Variant type: Deletion.
Coding change: c.1569del on transcript NM_001130144.3 (MANE Select); coding-DNA position 1569, one base deleted (A; older notation c.1569delA).
Protein change: p.Val524fs; shifts the reading frame from valine 524.
Molecular consequence: frameshift variant.
Genome position (GRCh38, 1-based): chr11:65,551,454, T deleted on the plus strand (A on the coding strand, the reverse complement: LTBP3 is on the minus strand). VCF-style (leftmost placement, unchanged base first): chr11-65551453-CT-C. GRCh37 (hg19) VCF-style: chr11-65318924-CT-C.
Other names: c.1218del, p.Val407fs (NM_001164266.1); c.1569del, p.Val524fs (NM_021070.4); short protein forms V407fs, V524fs.
Identifiers: ClinVar variation 2022494 (VCV002022494.4), dbSNP rs2496166673, ClinGen allele CA2580084491.

ClinVar aggregate classification (germline): Pathogenic (1 of 4 stars; one submission).

Conditions:
Brachyolmia-amelogenesis imperfecta syndrome. Also called: PLATYSPONDYLY WITH AMELOGENESIS IMPERFECTA; Tooth agenesis, selective, 6; Dental anomalies and short stature. Identifiers: Orphanet 2899, MedGen C1832594, MONDO:0011018, OMIM 601216. Disease mechanism: loss of function.

Submission:

Labcorp Genetics (formerly Invitae), Labcorp
Classification: Pathogenic for Brachyolmia-amelogenesis imperfecta syndrome. Last evaluated: 2021-12-01. Review status: criteria provided, single submitter. Criteria: Invitae Variant Classification Sherloc (09022015). Collection method: clinical testing. Allele origin: germline.
Comment: This sequence change creates a premature translational stop signal (p.Val524Cysfs*19) in the LTBP3 gene. It is expected to result in an absent or disrupted protein product. Loss-of-function variants in LTBP3 are known to be pathogenic (PMID: 11790802, 19344874, 25669657). This variant is not present in population databases (gnomAD no frequency). This variant has not been reported in the literature in individuals affected with LTBP3-related conditions. For these reasons, this variant has been classified as Pathogenic.

Literature cited by the submitters: PubMed 11790802; PubMed 19344874; PubMed 25669657.